The following is an entry in ClinVar:

ClinVar aggregate classification (germline): Uncertain significance. Review status: criteria provided, multiple submitters, no conflicts (2 of 4 stars). 4 submissions from 4 submitters: Uncertain significance (3). 1 of the submissions does not count toward it. Last evaluated 2025-09-02.

Conditions:
Inborn genetic diseases. Identifiers: MedGen C0950123, MeSH D030342.
Microcephalic osteodysplastic primordial dwarfism type II (MOPD2). Also called: Microcephalic osteodysplastic primordial dwarfism with tooth abnormalities; MOPD II; OSTEODYSPLASTIC PRIMORDIAL DWARFISM, TYPE II. Identifiers: Orphanet 2637, MedGen C0432246, MONDO:0008872, OMIM 210720.
PCNT-related disorder. Also called: PCNT-related condition.

Allele frequency attached by ClinVar (database versions not stated): gnomAD 0.00001; gnomAD exomes 0.00003 and 0.00008; TOPMed 0.00003; ExAC 0.00018.
gnomAD v4.1: 49 of 1,614,082 alleles (0.003%); highest among the groups gnomAD compares: Admixed American, 0.04%; 1 homozygote.

Submissions (4):

Labcorp Genetics (formerly Invitae), Labcorp
Classification: Uncertain significance. Last evaluated: 2025-09-02. Review status: criteria provided, single submitter. Criteria: Invitae Variant Classification Sherloc (09022015). Collection method: clinical testing. Allele origin: germline.
Comment: This sequence change replaces arginine, which is basic and polar, with histidine, which is basic and polar, at codon 2924 of the PCNT protein (p.Arg2924His). This variant is present in population databases (rs139830890, gnomAD 0.04%). This variant has not been reported in the literature in individuals affected with PCNT-related conditions. ClinVar contains an entry for this variant (Variation ID: 895965). An algorithm developed to predict the effect of missense changes on protein structure and function outputs the following: PolyPhen-2: "Possibly Damaging". The histidine amino acid residue is found in multiple mammalian species, which suggests that this missense change does not adversely affect protein function. In summary, the available evidence is currently insufficient to determine the role of this variant in disease. Therefore, it has been classified as a Variant of Uncertain Significance.

Ambry Genetics
Classification: Uncertain significance for Inborn genetic diseases. Last evaluated: 2025-03-26. Review status: criteria provided, single submitter. Criteria: Ambry Variant Classification Scheme 2023. Collection method: clinical testing. Allele origin: germline.

Illumina Laboratory Services, Illumina
Classification: Uncertain significance for Microcephalic osteodysplastic primordial dwarfism type II. Last evaluated: 2018-01-12. Review status: criteria provided, single submitter. Criteria: ICSL Variant Classification Criteria 13 December 2019. Collection method: clinical testing. Allele origin: germline.

PreventionGenetics, part of Exact Sciences
Classification: Uncertain significance for PCNT-related condition. Last evaluated: 2024-08-21. Review status: no assertion criteria provided. Collection method: clinical testing. Allele origin: germline. Not counted in ClinVar's aggregate classification.
Comment: The PCNT c.8771G>A variant is predicted to result in the amino acid substitution p.Arg2924His. To our knowledge, this variant has not been reported in the literature. This variant is reported in 0.038% of alleles in individuals of Latino descent in gnomAD. At this time, the clinical significance of this variant is uncertain due to the absence of conclusive functional and genetic evidence.

NM_006031.6(PCNT):c.8771G>A (p.Arg2924His)

Gene: PCNT (pericentrin; plus strand). Cytogenetic location: 21q22.3.
Variant type: single nucleotide variant.
Coding change: c.8771G>A on transcript NM_006031.6 (MANE Select); coding-DNA position 8771, G replaced by A.
Protein change: p.Arg2924His; replaces arginine 2924 with histidine.
Molecular consequence: missense variant.
Genome position (GRCh38, 1-based): chr21:46,435,923, G>A. VCF-style: chr21-46435923-G-A. GRCh37 (hg19) VCF-style: chr21-47855836-G-A.
Other names: c.8180G>A, p.Arg2727His (NM_001315529.2); short protein forms R2924H, R2727H.
Identifiers: ClinVar variation 895965 (VCV000895965.9), dbSNP rs139830890, ClinGen allele CA10081085.